The following is an entry in ClinVar:

ClinVar aggregate classification (germline): Pathogenic/Likely pathogenic. Review status: criteria provided, multiple submitters, no conflicts (2 of 4 stars). 2 submissions from 2 submitters: Pathogenic (1); Likely pathogenic (1). Last evaluated 2023-02-03.

Conditions:
PRPF31-related disorder. Also called: PRPF31-related condition.

Submissions (2):

Labcorp Genetics (formerly Invitae), Labcorp
Classification: Pathogenic. Last evaluated: 2023-02-03. Review status: criteria provided, single submitter. Criteria: Invitae Variant Classification Sherloc (09022015). Collection method: clinical testing. Allele origin: germline.
Comment: This variant has not been reported in the literature in individuals affected with PRPF31-related conditions. This sequence change creates a premature translational stop signal (p.Ala86Thrfs*10) in the PRPF31 gene. It is expected to result in an absent or disrupted protein product. Loss-of-function variants in PRPF31 are known to be pathogenic (PMID: 18317597, 23950152). This variant is not present in population databases (gnomAD no frequency). ClinVar contains an entry for this variant (Variation ID: 1380627). For these reasons, this variant has been classified as Pathogenic.

Blueprint Genetics
Classification: Likely pathogenic for PRPF31-related disorders. Last evaluated: 2019-06-16. Review status: criteria provided, single submitter. Criteria: ACMG Guidelines, 2015. Collection method: clinical testing. Allele origin: germline. Affected: yes. Observed: 1 variant allele.

Literature cited by the submitters: PubMed 18317597 (cited by Labcorp Genetics (formerly Invitae), Labcorp); PubMed 23950152 (cited by Labcorp Genetics (formerly Invitae), Labcorp).

NM_015629.4(PRPF31):c.256_268del (p.Ala86fs)

Genes: PRPF31 (pre-mRNA processing factor 31; plus strand), PRPF31-AS1 (PRPF31 antisense RNA 1; minus strand). Cytogenetic location: 19q13.42.
Variant type: Deletion.
Coding change: c.256_268del on transcript NM_015629.4 (MANE Select); coding-DNA positions 256 to 268, 13 bases deleted (GCCGCGCCTGAAT).
Protein change: p.Ala86fs; shifts the reading frame from alanine 86.
Molecular consequence: frameshift variant.
Genome position (GRCh38, 1-based): chr19:54,121,877-54,121,889, GCCGCGCCTGAAT deleted. VCF-style (leftmost placement, unchanged base first): chr19-54121876-GGCCGCGCCTGAAT-G. GRCh37 (hg19) VCF-style: chr19-54625255-GGCCGCGCCTGAAT-G.
Other names: short protein forms A86fs.
Identifiers: ClinVar variation 1380627 (VCV001380627.7), dbSNP rs2146409471, ClinGen allele CA2573156795.